The following is an entry in ClinVar:

ClinVar aggregate classification (germline): Uncertain significance (1 of 4 stars; one submission).

Conditions:
Gorlin syndrome. Also called: Nevoid Basal Cell Carcinoma Syndrome; Basal cell nevus syndrome. Identifiers: Orphanet 377, MedGen C0004779, MONDO:0007187.

Submission:

Labcorp Genetics (formerly Invitae), Labcorp
Classification: Uncertain significance for Gorlin syndrome. Last evaluated: 2025-08-13. Review status: criteria provided, single submitter. Criteria: Invitae Variant Classification Sherloc (09022015). Collection method: clinical testing. Allele origin: germline.
Comment: This sequence change replaces leucine, which is neutral and non-polar, with phenylalanine, which is neutral and non-polar, at codon 978 of the PTCH1 protein (p.Leu978Phe). This variant is not present in population databases (gnomAD no frequency). This variant has not been reported in the literature in individuals affected with PTCH1-related conditions. Invitae Evidence Modeling of protein sequence and biophysical properties (such as structural, functional, and spatial information, amino acid conservation, physicochemical variation, residue mobility, and thermodynamic stability) has been performed for this missense variant. However, the output from this modeling did not meet the statistical confidence thresholds required to predict the impact of this variant on PTCH1 protein function. In summary, the available evidence is currently insufficient to determine the role of this variant in disease. Therefore, it has been classified as a Variant of Uncertain Significance.

NM_000264.5(PTCH1):c.2932C>T (p.Leu978Phe)

Gene: PTCH1 (patched 1; minus strand). Cytogenetic location: 9q22.32.
Variant type: single nucleotide variant.
Coding change: c.2932C>T on transcript NM_000264.5 (MANE Select); coding-DNA position 2932, C replaced by T.
Protein change: p.Leu978Phe; replaces leucine 978 with phenylalanine.
Molecular consequence: missense variant. On other transcripts: non-coding transcript variant (1).
Genome position (GRCh38, 1-based): chr9:95,458,249, G>A on the plus strand (C>T on the coding strand, the complement: PTCH1 is on the minus strand). VCF-style: chr9-95458249-G-A. GRCh37 (hg19) VCF-style: chr9-98220531-G-A.
Other names: c.2734C>T, p.Leu912Phe (NM_001083602.3); c.2929C>T, p.Leu977Phe (NM_001083603.3); c.2479C>T, p.Leu827Phe (NM_001083604.3, NM_001083605.3, NM_001083606.3 and 1 more transcripts); c.2776C>T, p.Leu926Phe (NM_001354918.2); short protein forms L926F, L977F, L978F, L912F, L827F.
Identifiers: ClinVar variation 4762636 (VCV004762636.1).